The following is an entry in ClinVar:

ClinVar aggregate classification (germline): Uncertain significance (1 of 4 stars; one submission).

gnomAD v4.1: 2 of 1,575,848 alleles (0.00013%); highest among the groups gnomAD compares: Non-Finnish European, 0.00017%; no homozygotes.

Submission:

Labcorp Genetics (formerly Invitae), Labcorp
Classification: Uncertain significance. Last evaluated: 2022-01-12. Review status: criteria provided, single submitter. Criteria: Invitae Variant Classification Sherloc (09022015). Collection method: clinical testing. Allele origin: germline.
Comment: This sequence change replaces arginine, which is basic and polar, with leucine, which is neutral and non-polar, at codon 126 of the COQ2 protein (p.Arg126Leu). The frequency data for this variant in the population databases is considered unreliable, as metrics indicate poor data quality at this position in the gnomAD database. This variant has not been reported in the literature in individuals affected with COQ2-related conditions. Algorithms developed to predict the effect of missense changes on protein structure and function are either unavailable or do not agree on the potential impact of this missense change (SIFT: "Deleterious"; PolyPhen-2: "Benign"; Align-GVGD: "Class C15"). In summary, the available evidence is currently insufficient to determine the role of this variant in disease. Therefore, it has been classified as a Variant of Uncertain Significance.

NM_001358921.2(COQ2):c.227G>T (p.Arg76Leu)

Genes: COQ2 (coenzyme Q2, polyprenyltransferase; minus strand), LOC112997540 (Sharpr-MPRA regulatory region 13773; plus strand). Cytogenetic location: 4q21.23.
Variant type: single nucleotide variant.
Coding change: c.227G>T on transcript NM_001358921.2 (MANE Select); coding-DNA position 227, G replaced by T.
Protein change: p.Arg76Leu; replaces arginine 76 with leucine.
Molecular consequence: missense variant.
Genome position (GRCh38, 1-based): chr4:83,284,538, C>A on the plus strand (G>T on the coding strand, the complement: COQ2 is on the minus strand). VCF-style: chr4-83284538-C-A. GRCh37 (hg19) VCF-style: chr4-84205691-C-A.
Other names: c.377G>T, p.Arg126Leu (NM_015697.9); short protein forms R126L, R76L.
Identifiers: ClinVar variation 2058764 (VCV002058764.1), dbSNP rs863223935, ClinGen allele CA357230828.